The following is an entry in ClinVar:

NM_001166108.2(PALLD):c.2404C>T (p.His802Tyr)

Genes: CBR4 (carbonyl reductase 4; minus strand), PALLD (palladin, cytoskeletal associated protein; plus strand). Cytogenetic location: 4q32.3.
Variant type: single nucleotide variant.
Coding change: c.2404C>T on transcript NM_001166108.2 (MANE Select); coding-DNA position 2404, C replaced by T.
Protein change: p.His802Tyr; replaces histidine 802 with tyrosine.
Molecular consequence: missense variant.
Genome position (GRCh38, 1-based): chr4:168,898,646, C>T. VCF-style: chr4-168898646-C-T. GRCh37 (hg19) VCF-style: chr4-169819797-C-T.
Other names: c.1207C>T, p.His403Tyr (NM_001166109.2); c.892C>T, p.His298Tyr (NM_001166110.2); c.232C>T, p.His78Tyr (NM_001367567.1, NM_001367569.1); c.283C>T, p.His95Tyr (NM_001367568.1, NM_001367570.1); c.2353C>T, p.His785Tyr (NM_016081.4); short protein forms H298Y, H785Y, H802Y, H78Y, H95Y, H403Y.
Identifiers: ClinVar variation 1790047 (VCV001790047.2), dbSNP rs2533735596, ClinGen allele CA358799062.

ClinVar aggregate classification (germline): Uncertain significance (1 of 4 stars; one submission).

Submission:

Ambry Genetics
Classification: Uncertain significance. Last evaluated: 2022-02-15. Review status: criteria provided, single submitter. Criteria: Ambry Variant Classification Scheme 2023. Collection method: clinical testing. Allele origin: germline.
Comment: The p.H785Y variant (also known as c.2353C>T), located in coding exon 12 of the PALLD gene, results from a C to T substitution at nucleotide position 2353. The histidine at codon 785 is replaced by tyrosine, an amino acid with similar properties. This amino acid position is conserved. In addition, the in silico prediction for this alteration is inconclusive. Since supporting evidence is limited at this time, the clinical significance of this alteration remains unclear.